The following is an entry in ClinVar:

NM_020822.3(KCNT1):c.1572G>A (p.Pro524=)

Gene: KCNT1 (potassium sodium-activated channel subfamily T member 1; plus strand). Cytogenetic location: 9q34.3.
Variant type: single nucleotide variant.
Coding change: c.1572G>A on transcript NM_020822.3 (MANE Select); coding-DNA position 1572, G replaced by A.
Protein change: p.Pro524=; no amino-acid change (proline 524 retained).
Molecular consequence: synonymous variant.
Genome position (GRCh38, 1-based): chr9:135,770,008, G>A. VCF-style: chr9-135770008-G-A. GRCh37 (hg19) VCF-style: chr9-138661854-G-A.
Other names: c.1437G>A, p.Pro479= (NM_001272003.2).
Identifiers: ClinVar variation 540559 (VCV000540559.23), dbSNP rs113333501, ClinGen allele CA5326966.
Genomic context (GRCh38, chr9:135,770,008, plus strand): 5'-CCACGTGGTGTGTGAGGAGGAGTGCAAGTACGCCATGCTGGCGCTGAACTGCATCTGCCC[G>A]GCGACCTCCACCCTCATCACCCTGCTGGTGCACACGTCCCGCGGCCAGTGAGTGCCCCGT-3'
Protein context (NP_065873.2, residues 514-534): YAMLALNCIC[Pro524=]ATSTLITLLV

ClinVar aggregate classification (germline): Conflicting classifications of pathogenicity. Review status: criteria provided, conflicting classifications (1 of 4 stars). 6 submissions from 5 submitters: Uncertain significance (1); Likely benign (5). Last evaluated 2025-11-25.

Conditions:
Autosomal dominant nocturnal frontal lobe epilepsy 5. Also called: Epilepsy, nocturnal frontal lobe, 5; CILIARY DYSKINESIA, PRIMARY, 28, WITHOUT SITUS INVERSUS; CILIARY DYSKINESIA, PRIMARY, 28, WITH SITUS INVERSUS; KCNT1-Related Epilepsy. Identifiers: Orphanet 98784, MedGen C3554306, MONDO:0014002, OMIM 615005.
Developmental and epileptic encephalopathy, 14 (DEE14). Also called: Early infantile epileptic encephalopathy 14. Identifiers: Orphanet 293181, MedGen C3554195, MONDO:0013989, OMIM 614959.

Allele frequency attached by ClinVar (database versions not stated): ExAC below 0.00001; gnomAD exomes 0.00001; TOPMed 0.00003.
gnomAD v4.1: 69 of 1,557,076 alleles (0.0044%); highest among the groups gnomAD compares: Middle Eastern, 0.037%; 1 homozygote.

Submissions (6):

Labcorp Genetics (formerly Invitae), Labcorp
Classification: Likely benign for Autosomal dominant nocturnal frontal lobe epilepsy 5; Developmental and epileptic encephalopathy, 14. Last evaluated: 2025-11-25. Review status: criteria provided, single submitter. Criteria: Invitae Variant Classification Sherloc (09022015). Collection method: clinical testing. Allele origin: germline.

CeGaT Center for Human Genetics Tuebingen
Classification: Likely benign. Last evaluated: 2025-03-01. Review status: criteria provided, single submitter. Criteria: CeGaT Center For Human Genetics Tuebingen Variant Classification Criteria Version 2. Collection method: clinical testing. Allele origin: germline. Affected: yes. Observed: 1 variant allele.
Comment: KCNT1: BP4, BP7

Blueprint Genetics
Classification: Uncertain significance. Last evaluated: 2024-03-26. Review status: criteria provided, single submitter. Criteria: ACMG Guidelines, 2015. Collection method: clinical testing. Allele origin: germline.

Genome-Nilou Lab
Classification: Likely benign for Developmental and epileptic encephalopathy, 14. Last evaluated: 2022-03-15. Review status: criteria provided, single submitter. Criteria: ACMG Guidelines, 2015. Collection method: clinical testing. Allele origin: germline. Affected: no.

Genome-Nilou Lab
Classification: Likely benign for Autosomal dominant nocturnal frontal lobe epilepsy 5. Last evaluated: 2022-03-15. Review status: criteria provided, single submitter. Criteria: ACMG Guidelines, 2015. Collection method: clinical testing. Allele origin: germline. Affected: no.

GeneDx
Classification: Likely benign. Last evaluated: 2019-05-14. Review status: criteria provided, single submitter. Criteria: GeneDx Variant Classification Process June 2021. Collection method: clinical testing. Allele origin: germline. Affected: yes.